The following is an entry in ClinVar:

NM_000218.3(KCNQ1):c.534C>T (p.Ala178=)

Gene: KCNQ1 (potassium voltage-gated channel subfamily Q member 1; plus strand). Cytogenetic location: 11p15.5.
Variant type: single nucleotide variant.
Coding change: c.534C>T on transcript NM_000218.3 (MANE Select); coding-DNA position 534, C replaced by T.
Protein change: p.Ala178=; no amino-acid change (alanine 178 retained).
Molecular consequence: synonymous variant. On other transcripts: intron variant (1).
Genome position (GRCh38, 1-based): chr11:2,570,684, C>T. VCF-style: chr11-2570684-C-T. GRCh37 (hg19) VCF-style: chr11-2591914-C-T.
Other names: c.534C>T, p.Ala178= (NM_001406836.1); c.264C>T, p.Ala88= (NM_001406837.1); c.153C>T, p.Ala51= (NM_181798.2); c.478-12751C>T (NM_001406838.1).
Identifiers: ClinVar variation 877188 (VCV000877188.17), dbSNP rs1848319199, ClinGen allele CA472037825.

ClinVar aggregate classification (germline): Conflicting classifications of pathogenicity. Review status: criteria provided, conflicting classifications (1 of 4 stars). 9 submissions from 6 submitters: Uncertain significance (5); Likely benign (4). Last evaluated 2025-06-25.

Conditions:
Atrial fibrillation, familial, 3 (ATFB3). Identifiers: MedGen C1837014, MONDO:0011857, OMIM 607554.
Short QT syndrome type 2. Identifiers: Orphanet 51083, MedGen C1865019, MONDO:0012313, OMIM 609621.
Long QT syndrome 1 (LQT1). Identifiers: Orphanet 101016, Orphanet 768, MedGen C4551647, MONDO:0100316, OMIM 192500, MONDO:0008646.
Jervell and Lange-Nielsen syndrome 1 (JLNS1). Also called: PROLONGED QT INTERVAL IN EKG AND SUDDEN DEATH; SURDO-CARDIAC SYNDROME; CARDIOAUDITORY SYNDROME OF JERVELL AND LANGE-NIELSEN; DEAFNESS, CONGENITAL, AND FUNCTIONAL HEART DISEASE. Identifiers: Orphanet 768, Orphanet 90647, MedGen C4551509, MONDO:0024540, OMIM 220400.
Cardiovascular phenotype. Identifiers: MedGen CN230736.
Long QT syndrome (LQTS). Identifiers: MedGen C0023976, MeSH D008133, MONDO:0002442. Disease mechanism: loss of function. Inheritance: Various modes of inheritance.
Cardiac arrhythmia. Also called: Arrhythmia; Cardiac rhythm disease. Identifiers: MedGen C0003811, MONDO:0007263, HP:0011675.

Allele frequency attached by ClinVar (database versions not stated): gnomAD exomes 0.00001.
gnomAD v4.1: 7 of 1,612,484 alleles (0.00043%); highest among the groups gnomAD compares: Middle Eastern, 0.017%; no homozygotes.

Submissions (9):

Labcorp Genetics (formerly Invitae), Labcorp
Classification: Likely benign for Long QT syndrome. Last evaluated: 2025-06-25. Review status: criteria provided, single submitter. Criteria: Invitae Variant Classification Sherloc (09022015). Collection method: clinical testing. Allele origin: germline.

Blueprint Genetics
Classification: Uncertain significance. Last evaluated: 2024-08-26. Review status: criteria provided, single submitter. Criteria: ACMG Guidelines, 2015. Collection method: clinical testing. Allele origin: germline.

All of Us Research Program, National Institutes of Health
Classification: Likely benign for Long QT syndrome. Last evaluated: 2023-11-20. Review status: criteria provided, single submitter. Criteria: ACMG Guidelines, 2015. Collection method: clinical testing. Allele origin: germline. Inheritance: Autosomal dominant inheritance. Observed: 2 variant alleles, 2 heterozygotes.
Comment: This study involves interpretation of variants in research participants for the purpose of population health screening. Participant phenotype was not available at the time of variant classification. Additional details can be found in publication PMID: 35346344, PMCID: PMC8962531

Ambry Genetics
Classification: Likely benign for Cardiovascular phenotype. Last evaluated: 2023-01-07. Review status: criteria provided, single submitter. Criteria: Ambry Variant Classification Scheme 2023. Collection method: clinical testing. Allele origin: germline.

Color Diagnostics, LLC DBA Color Health
Classification: Likely benign for Cardiac arrhythmia. Last evaluated: 2022-07-13. Review status: criteria provided, single submitter. Criteria: ACMG Guidelines, 2015. Collection method: clinical testing. Allele origin: germline.

Illumina Laboratory Services, Illumina
Classification: Uncertain significance for Jervell and Lange-Nielsen syndrome 1. Last evaluated: 2017-04-27. Review status: criteria provided, single submitter. Criteria: ICSL Variant Classification Criteria 13 December 2019. Collection method: clinical testing. Allele origin: germline.

Illumina Laboratory Services, Illumina
Classification: Uncertain significance for Atrial fibrillation, familial, 3. Last evaluated: 2017-04-27. Review status: criteria provided, single submitter. Criteria: ICSL Variant Classification Criteria 13 December 2019. Collection method: clinical testing. Allele origin: germline.

Illumina Laboratory Services, Illumina
Classification: Uncertain significance for Long QT syndrome 1. Last evaluated: 2017-04-27. Review status: criteria provided, single submitter. Criteria: ICSL Variant Classification Criteria 13 December 2019. Collection method: clinical testing. Allele origin: germline.
Comment: This variant was observed as part of a predisposition screen in an ostensibly healthy population. A literature search was performed for the gene, cDNA change, and amino acid change (where applicable). Publications were found based on this search. However, the evidence from the literature, in combination with allele frequency data from public databases where available, was not sufficient to rule this variant in or out of causing disease. Therefore, this variant is classified as a variant of unknown significance.

Illumina Laboratory Services, Illumina
Classification: Uncertain significance for Short QT syndrome type 2. Last evaluated: 2017-04-27. Review status: criteria provided, single submitter. Criteria: ICSL Variant Classification Criteria 13 December 2019. Collection method: clinical testing. Allele origin: germline.

Literature cited by the submitters: PubMed 14998624 (cited by Illumina Laboratory Services, Illumina); PubMed 19716085 (cited by Illumina Laboratory Services, Illumina).